The following is an entry in ClinVar:

ClinVar aggregate classification (germline): Uncertain significance. Review status: criteria provided, multiple submitters, no conflicts (2 of 4 stars). 3 submissions from 3 submitters: Uncertain significance (3). Last evaluated 2025-03-19.

Conditions:
Fanconi anemia complementation group J. Also called: BRIP1-Related Fanconi Anemia. Identifiers: Orphanet 84, MedGen C1836860, MONDO:0012187, OMIM 609054.
Familial cancer of breast. Also called: Hereditary breast cancer; BREAST CANCER, FAMILIAL; hereditary breast carcinoma. Identifiers: Orphanet 227535, MedGen C0346153, MONDO:0016419, OMIM 114480. Disease mechanism: loss of function.
Hereditary cancer-predisposing syndrome. Also called: Hereditary neoplastic syndrome; Neoplastic Syndromes, Hereditary; Hereditary Cancer Syndrome; Tumor predisposition. Identifiers: Orphanet 140162, MedGen C0027672, MeSH D009386, MONDO:0015356.

Allele frequency attached by ClinVar (database versions not stated): gnomAD exomes below 0.00001; ExAC 0.00001.
gnomAD v4.1: 1 of 1,614,016 alleles (0.000062%); highest among the groups gnomAD compares: Admixed American, 0.0017%; no homozygotes.

Submissions (3):

Labcorp Genetics (formerly Invitae), Labcorp
Classification: Uncertain significance for Familial cancer of breast; Fanconi anemia complementation group J. Last evaluated: 2025-03-19. Review status: criteria provided, single submitter. Criteria: Invitae Variant Classification Sherloc (09022015). Collection method: clinical testing. Allele origin: germline.
Comment: This sequence change replaces leucine, which is neutral and non-polar, with isoleucine, which is neutral and non-polar, at codon 358 of the BRIP1 protein (p.Leu358Ile). This variant is present in population databases (rs775191379, gnomAD 0.003%). This variant has not been reported in the literature in individuals affected with BRIP1-related conditions. ClinVar contains an entry for this variant (Variation ID: 1171342). Invitae Evidence Modeling of protein sequence and biophysical properties (such as structural, functional, and spatial information, amino acid conservation, physicochemical variation, residue mobility, and thermodynamic stability) has been performed for this missense variant. However, the output from this modeling did not meet the statistical confidence thresholds required to predict the impact of this variant on BRIP1 protein function. In summary, the available evidence is currently insufficient to determine the role of this variant in disease. Therefore, it has been classified as a Variant of Uncertain Significance.

Ambry Genetics
Classification: Uncertain significance for Hereditary cancer-predisposing syndrome. Last evaluated: 2024-05-08. Review status: criteria provided, single submitter. Criteria: Ambry Variant Classification Scheme 2023. Collection method: clinical testing. Allele origin: germline.
Comment: The p.L358I variant (also known as c.1072C>A), located in coding exon 7 of the BRIP1 gene, results from a C to A substitution at nucleotide position 1072. The leucine at codon 358 is replaced by isoleucine, an amino acid with highly similar properties. This amino acid position is conserved. In addition, the in silico prediction for this alteration is inconclusive. Based on the available evidence, the clinical significance of this variant remains unclear.

Color Diagnostics, LLC DBA Color Health
Classification: Uncertain significance for Hereditary cancer-predisposing syndrome. Last evaluated: 2023-11-13. Review status: criteria provided, single submitter. Criteria: ACMG Guidelines, 2015. Collection method: clinical testing. Allele origin: germline.
Comment: This missense variant replaces leucine with isoleucine at codon 358 of the BRIP1 protein. Computational prediction suggests that this variant may not impact protein structure and function. To our knowledge, functional studies have not been reported for this variant. This variant has not been reported in individuals affected with hereditary cancer in the literature. This variant has been identified in 1/251332 chromosomes in the general population by the Genome Aggregation Database (gnomAD). The available evidence is insufficient to determine the role of this variant in disease conclusively. Therefore, this variant is classified as a Variant of Uncertain Significance.

NM_032043.3(BRIP1):c.1072C>A (p.Leu358Ile)

Gene: BRIP1 (BRCA1 interacting DNA helicase 1; minus strand). Cytogenetic location: 17q23.2.
Variant type: single nucleotide variant.
Coding change: c.1072C>A on transcript NM_032043.3 (MANE Select); coding-DNA position 1072, C replaced by A.
Protein change: p.Leu358Ile; replaces leucine 358 with isoleucine.
Molecular consequence: missense variant.
Genome position (GRCh38, 1-based): chr17:61,801,321, G>T on the plus strand (C>A on the coding strand, the complement: BRIP1 is on the minus strand). VCF-style: chr17-61801321-G-T. GRCh37 (hg19) VCF-style: chr17-59878682-G-T.
Other names: short protein forms L358I.
Identifiers: ClinVar variation 1171342 (VCV001171342.8), dbSNP rs775191379, ClinGen allele CA8690808.